The following is an entry in ClinVar:

NM_006514.4(SCN10A):c.4386+4A>T

Gene: SCN10A (sodium voltage-gated channel alpha subunit 10; minus strand). Cytogenetic location: 3p22.2.
Variant type: single nucleotide variant.
Coding change: c.4386+4A>T on transcript NM_006514.4 (MANE Select); 4 bases into the intron after coding-DNA position 4386, A replaced by T.
Molecular consequence: intron variant.
Genome position (GRCh38, 1-based): chr3:38,707,275, T>A on the plus strand (A>T on the coding strand, the complement: SCN10A is on the minus strand). VCF-style: chr3-38707275-T-A. GRCh37 (hg19) VCF-style: chr3-38748766-T-A.
Other names: c.4092+4A>T (NM_001293307.2); c.4383+4A>T (NM_001293306.2).
Identifiers: ClinVar variation 1740181 (VCV001740181.2), dbSNP rs1378862543, ClinGen allele CA906913561.
Genomic context (GRCh38, chr3:38,707,275, plus strand): 5'-CAGGCATAGACTGTCATGTTGGATTCACAGACAGGCTGTGCTAGAGGAAACCTCTGGGGC[T>A]CACCAGGGGCCGTGGGATGGGCTTCTGGGGCTTCTTGGAGCCCAACTTCTTCATGGCATT-3'

ClinVar aggregate classification (germline): Uncertain significance (1 of 4 stars; one submission).

Conditions:
Cardiovascular phenotype. Identifiers: MedGen CN230736.

Allele frequency attached by ClinVar (database versions not stated): gnomAD exomes below 0.00001; gnomAD 0.00001; TOPMed 0.00001.
gnomAD v4.1: 5 of 1,613,582 alleles (0.00031%); highest among the groups gnomAD compares: Non-Finnish European, 0.00025%; no homozygotes.

Submission:

Ambry Genetics
Classification: Uncertain significance for Cardiovascular phenotype. Last evaluated: 2021-12-03. Review status: criteria provided, single submitter. Criteria: Ambry Variant Classification Scheme 2023. Collection method: clinical testing. Allele origin: germline.
Comment: The c.4386+4A>T intronic variant results from an A to T substitution 4 nucleotides after coding exon 25 in the SCN10A gene. This nucleotide position is well conserved in available vertebrate species. In silico splice site analysis predicts that this alteration will weaken the native splice donor site. The evidence for this gene-disease relationship is limited; therefore, the clinical significance of this alteration is unclear.